The following is an entry in ClinVar:

NM_001164508.2(NEB):c.5229dup (p.Met1744fs)

Gene: NEB (nebulin; minus strand). Cytogenetic location: 2q23.3.
Variant type: Duplication.
Coding change: c.5229dup on transcript NM_001164508.2 (MANE Select); coding-DNA position 5229, one base duplicated (C; older notation c.5229dupC).
Protein change: p.Met1744fs; shifts the reading frame from methionine 1744.
Molecular consequence: frameshift variant.
Genome position (GRCh38, 1-based): chr2:151,665,342, G duplicated on the plus strand (C on the coding strand, the reverse complement: NEB is on the minus strand). VCF-style (leftmost placement, unchanged base first): chr2-151665341-T-TG. GRCh37 (hg19) VCF-style: chr2-152521855-T-TG.
Other names: c.5229dup, p.Met1744fs (NM_001164507.2, NM_001271208.2, NM_004543.5); c.5229dup (NM_001271208.1); short protein forms M1744fs.
Identifiers: ClinVar variation 1070917 (VCV001070917.8), dbSNP rs2154176971, ClinGen allele CA2499215112.

ClinVar aggregate classification (germline): Pathogenic/Likely pathogenic. Review status: criteria provided, multiple submitters, no conflicts (2 of 4 stars). 2 submissions from 2 submitters: Pathogenic (1); Likely pathogenic (1). Last evaluated 2022-07-31.

Conditions:
Nemaline myopathy 2 (NEM2). Also called: Nemaline myopathy 2, autosomal recessive. Identifiers: MedGen C1850569, MONDO:0009725, OMIM 256030.
Arthrogryposis multiplex congenita 6. Identifiers: MedGen C5543431, MONDO:0030281, OMIM 619334.

Submissions (2):

Baylor Genetics
Classification: Likely pathogenic for Arthrogryposis multiplex congenita 6. Last evaluated: 2022-07-31. Review status: criteria provided, single submitter. Criteria: ACMG Guidelines, 2015. Collection method: clinical testing. Allele origin: unknown.

Labcorp Genetics (formerly Invitae), Labcorp
Classification: Pathogenic for Nemaline myopathy 2. Last evaluated: 2020-01-28. Review status: criteria provided, single submitter. Criteria: Invitae Variant Classification Sherloc (09022015). Collection method: clinical testing. Allele origin: germline.
Comment: This variant is not present in population databases (ExAC no frequency). This sequence change creates a premature translational stop signal (p.Met1744Hisfs*8) in the NEB gene. It is expected to result in an absent or disrupted protein product. This variant has not been reported in the literature in individuals with NEB-related conditions. Loss-of-function variants in NEB are known to be pathogenic (PMID: 25205138). For these reasons, this variant has been classified as Pathogenic.

Literature cited by the submitters: PubMed 25205138 (cited by Labcorp Genetics (formerly Invitae), Labcorp).